The following is an entry in ClinVar:

NC_012920.1(MT-ND2):m.4917A>G

Gene: MT-ND2 (mitochondrially encoded NADH dehydrogenase 2; plus strand).
Variant type: single nucleotide variant.
Genome position: chrM-4917-A-G.
Identifiers: ClinVar variation 9716 (VCV000009716.3), dbSNP rs28357980, ClinGen allele CA254858.
Genomic context (GRCh38, chrMT:4,917, plus strand): 5'-CTTCTCACATGACAAAAACTAGCCCCCATCTCAATCATATACCAAATCTCTCCCTCACTA[A>G]ACGTAAGCCTTCTCCTCACTCTCTCAATCTTATCCATCATAGCAGGCAGTTGAGGTGGAT-3'

ClinVar aggregate classification (germline): Benign. Review status: criteria provided, multiple submitters, no conflicts (2 of 4 stars). 3 submissions from 3 submitters: Benign (2). 1 of the submissions does not count toward it. Last evaluated 2025-02-16.

Conditions:
Leber optic atrophy (LHON). Also called: Leber hereditary optic neuropathy; Leber's disease; Leber's optic atrophy; Optic Atrophy, Hereditary, Leber. Identifiers: Orphanet 104, MedGen C0917796, MONDO:0010788, OMIM 535000, HP:0001112.
Leigh syndrome (NULS). Also called: Leigh's syndrome; Leigh Disease; Leigh's necrotizing encephalopathy; Leigh's disease; Subacute necrotizing encephalopathy; Necrotizing encephalopathy infantile subacute of Leigh. Identifiers: Orphanet 506, MedGen C2931891, MONDO:0009723, OMIM 256000.

Submissions (3):

Laboratory of Genetics, Children's Clinical University Hospital Latvia
Classification: Benign. Last evaluated: 2025-02-16. Review status: criteria provided, single submitter. Criteria: ACMG Guidelines, 2015. Collection method: clinical testing. Allele origin: germline. Affected: yes.

Wong Mito Lab, Molecular and Human Genetics, Baylor College of Medicine
Classification: Benign for Leigh syndrome. Last evaluated: 2019-10-17. Review status: criteria provided, single submitter. Criteria: Modified ACMG Guidelines (Unpublished). Collection method: clinical testing. Allele origin: germline.
Comment: The NC_012920.1:m.4917A>G (YP_003024027.1:p.Asn150Asp) variant in MTND2 gene is interpretated to be a Benign variant based on the modified ACMG guidelines (unpublished). This variant meets the following evidence codes: BA1

OMIM
Classification: Uncertain significance for LEBER OPTIC ATROPHY. Last evaluated: 2013-03-02. Review status: no assertion criteria provided. Collection method: literature only. Allele origin: germline. Not counted in ClinVar's aggregate classification.

Literature cited by the submitters: PubMed 1900003 (cited by OMIM).